The following is an entry in ClinVar:

ClinVar aggregate classification (germline): Uncertain significance (1 of 4 stars; one submission).

Conditions:
Developmental and epileptic encephalopathy, 54. Also called: Epileptic encephalopathy, early infantile, 54; HNRNPU-Related Neurodevelopmental Disorder. Identifiers: MedGen C4479319, MONDO:0033363, OMIM 617391.

Allele frequency attached by ClinVar (database versions not stated): TOPMed below 0.00001.

Submission:

Labcorp Genetics (formerly Invitae), Labcorp
Classification: Uncertain significance for Developmental and epileptic encephalopathy, 54. Last evaluated: 2019-04-25. Review status: criteria provided, single submitter. Criteria: Invitae Variant Classification Sherloc (09022015). Collection method: clinical testing. Allele origin: germline.
Comment: This sequence change replaces aspartic acid with glycine at codon 415 of the HNRNPU protein (p.Asp415Gly). The aspartic acid residue is highly conserved and there is a moderate physicochemical difference between aspartic acid and glycine. This variant is not present in population databases (ExAC no frequency). This variant has not been reported in the literature in individuals with HNRNPU-related conditions. In summary, the available evidence is currently insufficient to determine the role of this variant in disease. Therefore, it has been classified as a Variant of Uncertain Significance.

NM_031844.3(HNRNPU):c.1244A>G (p.Asp415Gly)

Gene: HNRNPU (heterogeneous nuclear ribonucleoprotein U; minus strand). Cytogenetic location: 1q44.
Variant type: single nucleotide variant.
Coding change: c.1244A>G on transcript NM_031844.3 (MANE Select); coding-DNA position 1244, A replaced by G.
Protein change: p.Asp415Gly; replaces aspartic acid 415 with glycine.
Molecular consequence: missense variant.
Genome position (GRCh38, 1-based): chr1:244,858,261, T>C on the plus strand (A>G on the coding strand, the complement: HNRNPU is on the minus strand). VCF-style: chr1-244858261-T-C. GRCh37 (hg19) VCF-style: chr1-245021563-T-C.
Other names: c.1187A>G, p.Asp396Gly (NM_004501.3); short protein forms D396G, D415G.
Identifiers: ClinVar variation 949705 (VCV000949705.10), dbSNP rs1026590819, ClinGen allele CA40500588.
Genomic context (GRCh38, chr1:244,858,261, plus strand): 5'-CTGATTTTGAAGGCAACGCCAAGATCTTGTCCATTCTTAGCATACGAGAGTTCTACTTCA[T>C]CACTTTCAAAGTTCTGTTACACAGAAAAAAATTCAACAGTTAAAATCTGCTTCCTTAAAC-3'
Protein context (NP_114032.2, residues 405-425): VITCFANFES[Asp415Gly]EVELSYAKNG